The following is an entry in ClinVar:

NM_004629.2(FANCG):c.308-1G>A

Gene: FANCG (FA complementation group G; minus strand). Cytogenetic location: 9p13.3.
Variant type: single nucleotide variant.
Coding change: c.308-1G>A on transcript NM_004629.2 (MANE Select); the canonical splice acceptor site of the intron before coding-DNA position 308, G replaced by A.
Molecular consequence: splice acceptor variant.
Genome position (GRCh38, 1-based): chr9:35,078,344, C>T on the plus strand (G>A on the coding strand, the complement: FANCG is on the minus strand). VCF-style: chr9-35078344-C-T. GRCh37 (hg19) VCF-style: chr9-35078341-C-T.
Identifiers: ClinVar variation 2101589 (VCV002101589.5), dbSNP rs1441100300, ClinGen allele CA373314673.

ClinVar aggregate classification (germline): Likely pathogenic. Review status: criteria provided, multiple submitters, no conflicts (2 of 4 stars). 2 submissions from 2 submitters: Likely pathogenic (2). Last evaluated 2023-10-10.

Conditions:
Fanconi anemia (FA). Also called: Fanconi's anemia. Identifiers: Orphanet 84, MedGen C0015625, MeSH D005199, MONDO:0019391.
Fanconi anemia complementation group G. Also called: FANCG-Related Fanconi Anemia; Fanconi anemia group G. Identifiers: Orphanet 84, MedGen C3469527, MONDO:0013565, OMIM 614082.

Allele frequency attached by ClinVar (database versions not stated): gnomAD 0.00001.
gnomAD v4.1: 1 of 1,612,894 alleles (0.000062%); highest among the groups gnomAD compares: African/African-American, 0.0013%; no homozygotes.

Submissions (2):

Baylor Genetics
Classification: Likely pathogenic for Fanconi anemia complementation group G. Last evaluated: 2023-10-10. Review status: criteria provided, single submitter. Criteria: ACMG Guidelines, 2015. Collection method: clinical testing. Allele origin: unknown.

Labcorp Genetics (formerly Invitae), Labcorp
Classification: Likely pathogenic for Fanconi anemia. Last evaluated: 2022-03-01. Review status: criteria provided, single submitter. Criteria: Invitae Variant Classification Sherloc (09022015). Collection method: clinical testing. Allele origin: germline.
Comment: In summary, the currently available evidence indicates that the variant is pathogenic, but additional data are needed to prove that conclusively. Therefore, this variant has been classified as Likely Pathogenic. Algorithms developed to predict the effect of sequence changes on RNA splicing suggest that this variant may disrupt the consensus splice site. This variant has not been reported in the literature in individuals affected with FANCG-related conditions. This variant is present in population databases (no rsID available, gnomAD 0.01%). This sequence change affects an acceptor splice site in intron 3 of the FANCG gene. It is expected to disrupt RNA splicing. Variants that disrupt the donor or acceptor splice site typically lead to a loss of protein function (PMID: 16199547), and loss-of-function variants in FANCG are known to be pathogenic (PMID: 12552564).

Literature cited by the submitters: PubMed 16199547 (cited by Labcorp Genetics (formerly Invitae), Labcorp); PubMed 12552564 (cited by Labcorp Genetics (formerly Invitae), Labcorp).